The following is an entry in ClinVar:

ClinVar aggregate classification (germline): Conflicting classifications of pathogenicity. Review status: criteria provided, conflicting classifications (1 of 4 stars). 4 submissions from 3 submitters: Pathogenic (2); Uncertain significance (1); Uncertain risk allele (1). Last evaluated 2024-05-27.

Conditions:
Transitory neonatal diabetes mellitus. Also called: Transient neonatal diabetes mellitus. Identifiers: MedGen C0342273, MONDO:0020525, HP:0008255.
Maturity-onset diabetes of the young (MODY). Also called: Maturity onset diabetes mellitus in young. Identifiers: Orphanet 552, MedGen C0342276, MONDO:0018911, HP:0004904.

Submissions (4):

Clinical Genomics, Uppaluri K&H Personalized Medicine Clinic
Classification: Uncertain risk allele for Maturity-onset diabetes of the young. Last evaluated: 2024-05-27. Review status: criteria provided, single submitter. Criteria: K And H Uppaluri Personalized Medicine Clinic Variant Classification And Assertion Criteria Updated V 2. Collection method: research. Allele origin: unknown.
Comment: This variant is found to be a potent moderate impact variant with a sufficient scientific evidence to support gene-disease correlation. However, since this is not a high impact variant and has no variant evidence, this variant is reclassified as Uncertain Risk Allele

ARUP Laboratories, Molecular Genetics and Genomics, ARUP Laboratories
Classification: Pathogenic. Last evaluated: 2021-11-16. Review status: criteria provided, single submitter. Criteria: ARUP Molecular Germline Variant Investigation Process 2021. Collection method: clinical testing. Allele origin: germline.
Comment: The ABCC8 c.725delA; p.Lys242ArgfsTer16 variant (rs1957196622) is reported in the literature in individuals with congenital hyperinsulinism (Kapoor 2013, Snider 2013). The variant is listed in the ClinVar database (Variation ID: 958131), but is absent from general population databases (Exome Variant Server, Genome Aggregation Database), indicating it is not a common polymorphism. This variant causes a frameshift by deleting a single nucleotide, so it is predicted to result in a truncated protein or mRNA subject to nonsense-mediated decay. Additionally, other frameshift variants in this region have been described in affected individuals and are considered pathogenic (Bellanne-Chantelot 2010). Based on available information, this variant is classified as pathogenic. References: Bellanne-Chantelot C et al. ABCC8 and KCNJ11 molecular spectrum of 109 patients with diazoxide-unresponsive congenital hyperinsulinism. J Med Genet. 2010 Nov;47(11):752-9. PMID: 20685672. Kapoor RR et al. Clinical and molecular characterisation of 300 patients with congenital hyperinsulinism. Eur J Endocrinol. 2013 Mar 15;168(4):557-64. PMID: 23345197 . Snider KE et al. Genotype and phenotype correlations in 417 children with congenital hyperinsulinism. J Clin Endocrinol Metab. 2013 Feb;98(2):E355-63. PMID: 23275527.

Labcorp Genetics (formerly Invitae), Labcorp
Classification: Pathogenic. Last evaluated: 2021-05-09. Review status: criteria provided, single submitter. Criteria: Invitae Variant Classification Sherloc (09022015). Collection method: clinical testing. Allele origin: germline.
Comment: For these reasons, this variant has been classified as Pathogenic. Loss-of-function variants in ABCC8 are known to be pathogenic (PMID: 20685672, 23345197). This variant has been observed in individual(s) with familial hyperinsulinism (PMID: 10720932, 23275527). This variant is not present in population databases (ExAC no frequency). This sequence change creates a premature translational stop signal (p.Lys242Argfs*16) in the ABCC8 gene. It is expected to result in an absent or disrupted protein product.

Clinical Genomics, Uppaluri K&H Personalized Medicine Clinic
Classification: Uncertain significance for Transitory neonatal diabetes mellitus. Review status: criteria provided, single submitter. Criteria: K & H Uppaluri Personalized Medicine Clinic Variant Classification & Assertion Criteria_Updated V.1. Collection method: research. Allele origin: unknown. Inheritance: Somatic mutation.
Comment: Mutations in ABCC8 gene are associated with both neonatal diabetes mellitus as well as MODY. Patients with this mutation may have a better response to sulfonylureas. However, no sufficient evidence is found to ascertain the role of this particular variant (rs1957196622) in neonatal diabetes yet.

Literature cited by the submitters: PubMed 31216263 (cited by Clinical Genomics, Uppaluri K&H Personalized Medicine Clinic); PubMed 38095268 (cited by Clinical Genomics, Uppaluri K&H Personalized Medicine Clinic); PubMed 38513803 (cited by Clinical Genomics, Uppaluri K&H Personalized Medicine Clinic); PubMed 20685672 (cited by Labcorp Genetics (formerly Invitae), Labcorp); PubMed 23345197 (cited by Labcorp Genetics (formerly Invitae), Labcorp); PubMed 10720932 (cited by Labcorp Genetics (formerly Invitae), Labcorp); PubMed 23275527 (cited by Labcorp Genetics (formerly Invitae), Labcorp); PubMed 16885549 (cited by Clinical Genomics, Uppaluri K&H Personalized Medicine Clinic); PubMed 21989597 (cited by Clinical Genomics, Uppaluri K&H Personalized Medicine Clinic); PubMed 27538677 (cited by Clinical Genomics, Uppaluri K&H Personalized Medicine Clinic); PubMed 18981553 (cited by Clinical Genomics, Uppaluri K&H Personalized Medicine Clinic); PubMed 32027066 (cited by Clinical Genomics, Uppaluri K&H Personalized Medicine Clinic); PubMed 16613899 (cited by Clinical Genomics, Uppaluri K&H Personalized Medicine Clinic); PubMed 18025408 (cited by Clinical Genomics, Uppaluri K&H Personalized Medicine Clinic); PubMed 32792356 (cited by Clinical Genomics, Uppaluri K&H Personalized Medicine Clinic).

NM_000352.6(ABCC8):c.725del (p.Lys242fs)

Gene: ABCC8 (ATP binding cassette subfamily C member 8; minus strand). Cytogenetic location: 11p15.1.
Variant type: Deletion.
Coding change: c.725del on transcript NM_000352.6 (MANE Select); coding-DNA position 725, one base deleted (A; older notation c.725delA).
Protein change: p.Lys242fs; shifts the reading frame from lysine 242.
Molecular consequence: frameshift variant. On other transcripts: non-coding transcript variant (1).
Genome position (GRCh38, 1-based): chr11:17,461,680, T deleted on the plus strand (A on the coding strand, the reverse complement: ABCC8 is on the minus strand); the first of 2 consecutive T bases (chr11:17,461,680-17,461,681); deleting either gives the same sequence. VCF-style (leftmost placement, unchanged base first): chr11-17461679-CT-C. GRCh37 (hg19) VCF-style: chr11-17483226-CT-C.
Other names: c.725del, p.Lys242fs (NM_001287174.3, NM_001351295.2, NM_001351296.2 and 1 more transcripts); short protein forms K242fs.
Identifiers: ClinVar variation 958131 (VCV000958131.19), dbSNP rs1957196622, ClinGen allele CA1139661837.